The following is an entry in ClinVar:

ClinVar aggregate classification (germline): Uncertain significance (1 of 4 stars; one submission).

Allele frequency attached by ClinVar (database versions not stated): gnomAD exomes below 0.00001.
gnomAD v4.1: 1 of 1,612,618 alleles (0.000062%); highest among the groups gnomAD compares: Non-Finnish European, 0.000085%; no homozygotes.

Submission:

Labcorp Genetics (formerly Invitae), Labcorp
Classification: Uncertain significance. Last evaluated: 2023-12-02. Review status: criteria provided, single submitter. Criteria: Invitae Variant Classification Sherloc (09022015). Collection method: clinical testing. Allele origin: germline.
Comment: This sequence change replaces glutamine, which is neutral and polar, with glutamic acid, which is acidic and polar, at codon 499 of the SGPL1 protein (p.Gln499Glu). This variant is not present in population databases (gnomAD no frequency). This variant has not been reported in the literature in individuals affected with SGPL1-related conditions. Advanced modeling of protein sequence and biophysical properties (such as structural, functional, and spatial information, amino acid conservation, physicochemical variation, residue mobility, and thermodynamic stability) performed at Invitae indicates that this missense variant is not expected to disrupt SGPL1 protein function with a negative predictive value of 80%. In summary, the available evidence is currently insufficient to determine the role of this variant in disease. Therefore, it has been classified as a Variant of Uncertain Significance.

NM_003901.4(SGPL1):c.1495C>G (p.Gln499Glu)

Gene: SGPL1 (sphingosine-1-phosphate lyase 1; plus strand). Cytogenetic location: 10q22.1.
Variant type: single nucleotide variant.
Coding change: c.1495C>G on transcript NM_003901.4 (MANE Select); coding-DNA position 1495, C replaced by G.
Protein change: p.Gln499Glu; replaces glutamine 499 with glutamic acid.
Molecular consequence: missense variant.
Genome position (GRCh38, 1-based): chr10:70,876,590, C>G. VCF-style: chr10-70876590-C-G. GRCh37 (hg19) VCF-style: chr10-72636347-C-G.
Other names: short protein forms Q499E.
Identifiers: ClinVar variation 2809534 (VCV002809534.3), dbSNP rs2492811884, ClinGen allele CA377126630.